The following is an entry in ClinVar:

ClinVar aggregate classification (germline): Pathogenic/Likely pathogenic. Review status: criteria provided, multiple submitters, no conflicts (2 of 4 stars). 2 submissions from 2 submitters: Pathogenic (1); Likely pathogenic (1). Last evaluated 2022-07-12.

Conditions:
Hereditary spastic paraplegia 7 (SPG7). Also called: Autosomal recessive spastic paraplegia type 7; SPG7-related neurologic disorder; SPASTIC PARAPLEGIA 7, AUTOSOMAL RECESSIVE, WITH OR WITHOUT CEREBELLAR ATAXIA; Spastic paraplegia 7; Hereditary spastic paraplegia Paraplegin type. Identifiers: Orphanet 99013, MedGen C1846564, MONDO:0011803, OMIM 607259.

Allele frequency attached by ClinVar (database versions not stated): ExAC 0.00001; gnomAD exomes 0.00001 and below 0.00001; gnomAD 0.00002.

Submissions (2):

Laboratorio de Genetica e Diagnostico Molecular, Hospital Israelita Albert Einstein
Classification: Likely pathogenic for Hereditary spastic paraplegia 7. Last evaluated: 2022-07-12. Review status: criteria provided, single submitter. Criteria: ACMG Guidelines, 2015. Collection method: clinical testing. Allele origin: germline. Affected: yes.
Comment: ACMG classification criteria: PVS1 very strong, PM2 moderated

Labcorp Genetics (formerly Invitae), Labcorp
Classification: Pathogenic for Hereditary spastic paraplegia 7. Last evaluated: 2022-05-20. Review status: criteria provided, single submitter. Criteria: Invitae Variant Classification Sherloc (09022015). Collection method: clinical testing. Allele origin: germline.
Comment: This sequence change creates a premature translational stop signal (p.Leu68*) in the SPG7 gene. It is expected to result in an absent or disrupted protein product. Loss-of-function variants in SPG7 are known to be pathogenic (PMID: 21623769, 22964162). This variant is present in population databases (rs763413730, gnomAD 0.01%). For these reasons, this variant has been classified as Pathogenic. This variant has not been reported in the literature in individuals affected with SPG7-related conditions.

Literature cited by the submitters: PubMed 21623769 (cited by Labcorp Genetics (formerly Invitae), Labcorp); PubMed 22964162 (cited by Labcorp Genetics (formerly Invitae), Labcorp).

NM_003119.4(SPG7):c.201del (p.Leu67_Leu68insTer)

Gene: SPG7 (SPG7 matrix AAA peptidase subunit, paraplegin; plus strand). Cytogenetic location: 16q24.3.
Variant type: Deletion.
Coding change: c.201del on transcript NM_003119.4 (MANE Select); coding-DNA position 201, one base deleted (G; older notation c.201delG).
Protein change: p.Leu67_Leu68insTer.
Molecular consequence: frameshift variant.
Genome position (GRCh38, 1-based): chr16:89,510,507, G deleted. VCF-style (leftmost placement, unchanged base first): chr16-89510506-TG-T. GRCh37 (hg19) VCF-style: chr16-89576914-TG-T.
Other names: c.201del, p.Leu67_Leu68insTer (NM_001363850.1, NM_199367.3).
Identifiers: ClinVar variation 1455395 (VCV001455395.36), dbSNP rs763413730, ClinGen allele CA8243464.